The following is an entry in ClinVar:

NM_138413.4(HOGA1):c.398C>T (p.Ala133Val)

Gene: HOGA1 (4-hydroxy-2-oxoglutarate aldolase 1; plus strand). Cytogenetic location: 10q24.2.
Variant type: single nucleotide variant.
Coding change: c.398C>T on transcript NM_138413.4 (MANE Select); coding-DNA position 398, C replaced by T.
Protein change: p.Ala133Val; replaces alanine 133 with valine.
Molecular consequence: missense variant. On other transcripts: intron variant (1).
Genome position (GRCh38, 1-based): chr10:97,599,146, C>T. VCF-style: chr10-97599146-C-T. GRCh37 (hg19) VCF-style: chr10-99358903-C-T.
Other names: c.212-2711C>T (NM_001134670.2); short protein forms A133V.
Identifiers: ClinVar variation 552328 (VCV000552328.3), dbSNP rs374367160, ClinGen allele CA5634090.

ClinVar aggregate classification (germline): Uncertain significance. Review status: criteria provided, single submitter (1 of 4 stars). 2 submissions from 2 submitters: Uncertain significance (1). 1 of the submissions does not count toward it. Last evaluated 2025-01-24.

Conditions:
HOGA1-related disorder. Also called: HOGA1-related condition.
Primary hyperoxaluria type 3. Also called: PH III. Identifiers: Orphanet 416, Orphanet 93600, MedGen C3150878, MONDO:0013327, OMIM 613616. Disease mechanism: loss of function.

Allele frequency attached by ClinVar (database versions not stated): gnomAD 0.00001; ExAC 0.00002; gnomAD exomes 0.00002 and 0.00003; TOPMed 0.00002; ESP Exome Variant Server 0.00008.
gnomAD v4.1: 34 of 1,613,722 alleles (0.0021%); highest among the groups gnomAD compares: Middle Eastern, 0.082%; no homozygotes.

Submissions (2):

PreventionGenetics, part of Exact Sciences
Classification: Uncertain significance for HOGA1-related condition. Last evaluated: 2025-01-24. Review status: criteria provided, single submitter. Criteria: ACMG Guidelines, 2015. Collection method: clinical testing. Allele origin: germline.
Comment: The HOGA1 c.398C>T variant is predicted to result in the amino acid substitution p.Ala133Val. This variant was reported in an individual with complex I deficiency that harbored a different likely diagnostic, homozygous variant in the NDUFAF6 gene (Supp. Table 2 Calvo et al. 2010. PubMed ID: 20818383). This variant is reported in 0.011% of alleles in individuals of East Asian descent in gnomAD. At this time, the clinical significance of this variant is uncertain due to the absence of conclusive functional and genetic evidence.

Counsyl
Classification: Uncertain significance for Primary hyperoxaluria type 3. Last evaluated: 2017-06-06. Review status: no assertion criteria provided. Collection method: clinical testing. Allele origin: unknown. Not counted in ClinVar's aggregate classification.